The following is an entry in ClinVar:

NM_001376.5(DYNC1H1):c.6028C>G (p.Pro2010Ala)

Gene: DYNC1H1 (dynein cytoplasmic 1 heavy chain 1; plus strand). Cytogenetic location: 14q32.31.
Variant type: single nucleotide variant.
Coding change: c.6028C>G on transcript NM_001376.5 (MANE Select); coding-DNA position 6028, C replaced by G.
Protein change: p.Pro2010Ala; replaces proline 2010 with alanine.
Molecular consequence: missense variant.
Genome position (GRCh38, 1-based): chr14:102,009,893, C>G. VCF-style: chr14-102009893-C-G. GRCh37 (hg19) VCF-style: chr14-102476230-C-G.
Other names: short protein forms P2010A.
Identifiers: ClinVar variation 933612 (VCV000933612.9), dbSNP rs2048239251, ClinGen allele CA391052649.

ClinVar aggregate classification (germline): Uncertain significance (1 of 4 stars; one submission).

Conditions:
Charcot-Marie-Tooth disease axonal type 2O. Also called: CHARCOT-MARIE-TOOTH NEUROPATHY, AXONAL, TYPE 2O; CHARCOT-MARIE-TOOTH DISEASE, AXONAL, AUTOSOMAL DOMINANT, TYPE 2O; Charcot-Marie-Tooth disease, axonal, type 20; Charcot-Marie-Tooth Neuropathy Type 2O. Identifiers: Orphanet 284232, MedGen C3280220, MONDO:0013644, OMIM 614228.

gnomAD v4.1: 2 of 1,614,048 alleles (0.00012%); highest among the groups gnomAD compares: Non-Finnish European, 0.00017%; no homozygotes.

Submission:

Labcorp Genetics (formerly Invitae), Labcorp
Classification: Uncertain significance for Charcot-Marie-Tooth disease axonal type 2O. Last evaluated: 2019-07-17. Review status: criteria provided, single submitter. Criteria: Invitae Variant Classification Sherloc (09022015). Collection method: clinical testing. Allele origin: germline.
Comment: This sequence change replaces proline with alanine at codon 2010 of the DYNC1H1 protein (p.Pro2010Ala). The proline residue is highly conserved and there is a small physicochemical difference between proline and alanine. In summary, the available evidence is currently insufficient to determine the role of this variant in disease. Therefore, it has been classified as a Variant of Uncertain Significance. Algorithms developed to predict the effect of missense changes on protein structure and function (SIFT, PolyPhen-2, Align-GVGD) all suggest that this variant is likely to be tolerated, but these predictions have not been confirmed by published functional studies and their clinical significance is uncertain. This variant has not been reported in the literature in individuals with DYNC1H1-related conditions. This variant is not present in population databases (ExAC no frequency).